The following is an entry in ClinVar:

NM_182961.4(SYNE1):c.10474C>T (p.Arg3492Cys)

Gene: SYNE1 (spectrin repeat containing nuclear envelope protein 1; minus strand). Cytogenetic location: 6q25.2.
Variant type: single nucleotide variant.
Coding change: c.10474C>T on transcript NM_182961.4 (MANE Select); coding-DNA position 10474, C replaced by T.
Protein change: p.Arg3492Cys; replaces arginine 3492 with cysteine.
Molecular consequence: missense variant.
Genome position (GRCh38, 1-based): chr6:152,358,507, G>A on the plus strand (C>T on the coding strand, the complement: SYNE1 is on the minus strand). VCF-style: chr6-152358507-G-A. GRCh37 (hg19) VCF-style: chr6-152679642-G-A.
Other names: c.10495C>T (NM_033071.3); c.10495C>T, p.Arg3499Cys (NM_033071.5); short protein forms R3499C, R3492C.
Identifiers: ClinVar variation 1348358 (VCV001348358.11), dbSNP rs531503159, ClinGen allele CA4056943.

ClinVar aggregate classification (germline): Uncertain significance. Review status: criteria provided, multiple submitters, no conflicts (2 of 4 stars). 3 submissions from 3 submitters: Uncertain significance (3). Last evaluated 2023-06-12.

Conditions:
Autosomal recessive ataxia, Beauce type. Also called: SYNE1-Related Autosomal Recessive Cerebellar Ataxia; SYNE1 Deficiency; Spinocerebellar ataxia, autosomal recessive 8; ATAXIA, RECESSIVE, OF BEAUCE. Identifiers: Orphanet 88644, MedGen C1853116, MONDO:0012549, OMIM 610743.
Emery-Dreifuss muscular dystrophy 4, autosomal dominant (EDMD4). Also called: EMERY-DREIFUSS MUSCULAR DYSTROPHY 4 WITH VARIABLE FEATURES. Identifiers: Orphanet 261, MedGen C2751807, MONDO:0013071, OMIM 612998.

Allele frequency attached by ClinVar (database versions not stated): TOPMed 0.00002; ExAC 0.00004; gnomAD exomes 0.00005 and 0.00006; 1000 Genomes Project 0.00020; 1000 Genomes Project 30x 0.00031; gnomAD 0.00002.
gnomAD v4.1: 86 of 1,614,040 alleles (0.0053%); highest among the groups gnomAD compares: Non-Finnish European, 0.0066%; no homozygotes.

Submissions (3):

Revvity Omics, Revvity
Classification: Uncertain significance. Last evaluated: 2023-06-12. Review status: criteria provided, single submitter. Criteria: ACMG Guidelines, 2015. Collection method: clinical testing. Allele origin: germline.

Labcorp Genetics (formerly Invitae), Labcorp
Classification: Uncertain significance for Emery-Dreifuss muscular dystrophy 4, autosomal dominant; Autosomal recessive ataxia, Beauce type. Last evaluated: 2022-08-09. Review status: criteria provided, single submitter. Criteria: Invitae Variant Classification Sherloc (09022015). Collection method: clinical testing. Allele origin: germline.
Comment: In summary, the available evidence is currently insufficient to determine the role of this variant in disease. Therefore, it has been classified as a Variant of Uncertain Significance. Algorithms developed to predict the effect of missense changes on protein structure and function (SIFT, PolyPhen-2, Align-GVGD) all suggest that this variant is likely to be disruptive. ClinVar contains an entry for this variant (Variation ID: 1348358). This variant has not been reported in the literature in individuals affected with SYNE1-related conditions. This variant is present in population databases (rs531503159, gnomAD 0.008%). This sequence change replaces arginine, which is basic and polar, with cysteine, which is neutral and slightly polar, at codon 3499 of the SYNE1 protein (p.Arg3499Cys).

Athena Diagnostics
Classification: Uncertain significance. Last evaluated: 2022-01-12. Review status: criteria provided, single submitter. Criteria: Athena Diagnostics Criteria. Collection method: clinical testing. Allele origin: unknown.